The following is an entry in ClinVar:

ClinVar aggregate classification (germline): Uncertain significance. Review status: criteria provided, multiple submitters, no conflicts (2 of 4 stars). 2 submissions from 2 submitters: Uncertain significance (2). Last evaluated 2025-12-15.

Allele frequency attached by ClinVar (database versions not stated): 1000 Genomes Project 0.00020; gnomAD exomes 0.00001; gnomAD 0.00003; TOPMed 0.00003; ExAC 0.00007; 1000 Genomes Project 30x 0.00016.
gnomAD v4.1: 18 of 1,614,032 alleles (0.0011%); highest among the groups gnomAD compares: East Asian, 0.033%; no homozygotes.

Submissions (2):

Ambry Genetics
Classification: Uncertain significance. Last evaluated: 2025-12-15. Review status: criteria provided, single submitter. Criteria: Ambry Variant Classification Scheme 2023. Collection method: clinical testing. Allele origin: germline.

Labcorp Genetics (formerly Invitae), Labcorp
Classification: Uncertain significance. Last evaluated: 2024-05-10. Review status: criteria provided, single submitter. Criteria: Invitae Variant Classification Sherloc (09022015). Collection method: clinical testing. Allele origin: germline.
Comment: This sequence change replaces serine, which is neutral and polar, with leucine, which is neutral and non-polar, at codon 826 of the RPS6KC1 protein (p.Ser826Leu). This variant is present in population databases (rs573814230, gnomAD 0.1%), and has an allele count higher than expected for a pathogenic variant. This variant has not been reported in the literature in individuals affected with RPS6KC1-related conditions. ClinVar contains an entry for this variant (Variation ID: 2304929). An algorithm developed to predict the effect of missense changes on protein structure and function (PolyPhen-2) suggests that this variant is likely to be disruptive. In summary, the available evidence is currently insufficient to determine the role of this variant in disease. Therefore, it has been classified as a Variant of Uncertain Significance.

NM_012424.6(RPS6KC1):c.2477C>T (p.Ser826Leu)

Gene: RPS6KC1 (ribosomal protein S6 kinase C1; plus strand). Cytogenetic location: 1q32.3.
Variant type: single nucleotide variant.
Coding change: c.2477C>T on transcript NM_012424.6 (MANE Select); coding-DNA position 2477, C replaced by T.
Protein change: p.Ser826Leu; replaces serine 826 with leucine.
Molecular consequence: missense variant. On other transcripts: non-coding transcript variant (4).
Genome position (GRCh38, 1-based): chr1:213,241,953, C>T. VCF-style: chr1-213241953-C-T. GRCh37 (hg19) VCF-style: chr1-213415296-C-T.
Other names: c.2441C>T, p.Ser814Leu (NM_001136138.4); c.1841C>T, p.Ser614Leu (NM_001287218.3, NM_001287219.3, NM_001349654.2); c.1082C>T, p.Ser361Leu (NM_001287220.3, NM_001349663.2, NM_001349664.2 and 8 more transcripts); c.1934C>T, p.Ser645Leu (NM_001287221.3, NM_001349648.2, NM_001349649.2 and 4 more transcripts); c.2384C>T, p.Ser795Leu (NM_001349646.2); c.1421C>T, p.Ser474Leu (NM_001349659.2, NM_001349660.2, NM_001349661.2 and 1 more transcripts); c.2114C>T, p.Ser705Leu (NM_001349647.2); c.1586C>T, p.Ser529Leu (NM_001349657.2, NM_001349658.2); short protein forms S361L, S474L, S614L, S705L, S814L, S529L, S795L, S826L.
Identifiers: ClinVar variation 2304929 (VCV002304929.5), dbSNP rs573814230, ClinGen allele CA1387625.
Genomic context (GRCh38, chr1:213,241,953, plus strand): 5'-AGTCAGCAGTAACTGCAAACAACACAGAAGAAAGCTTATTCCGTATTTGTAGTCCACTCT[C>T]AGGTGCTAATGAATATATTGCAAGCACAGACACTTTAAAAACAGAAGAAGTATTGCTGTT-3'
Protein context (NP_036556.2, residues 816-836): ESLFRICSPL[Ser826Leu]GANEYIASTD